The following is an entry in ClinVar:

ClinVar aggregate classification (germline): Conflicting classifications of pathogenicity. Review status: criteria provided, conflicting classifications (1 of 4 stars). 2 submissions from 2 submitters: Uncertain significance (1); Likely benign (1). Last evaluated 2024-11-16.

Conditions:
Hereditary cancer-predisposing syndrome. Also called: Hereditary Cancer Syndrome; Hereditary neoplastic syndrome; Tumor predisposition; Neoplastic Syndromes, Hereditary. Identifiers: Orphanet 140162, MedGen C0027672, MeSH D009386, MONDO:0015356.
Gorlin syndrome. Also called: Basal cell nevus syndrome; Nevoid Basal Cell Carcinoma Syndrome. Identifiers: Orphanet 377, MedGen C0004779, MONDO:0007187.

Allele frequency attached by ClinVar (database versions not stated): TOPMed 0.00001.

Submissions (2):

Labcorp Genetics (formerly Invitae), Labcorp
Classification: Uncertain significance for Gorlin syndrome. Last evaluated: 2024-11-16. Review status: criteria provided, single submitter. Criteria: Invitae Variant Classification Sherloc (09022015). Collection method: clinical testing. Allele origin: germline.
Comment: This sequence change affects codon 902 of the PTCH1 mRNA. It is a 'silent' change, meaning that it does not change the encoded amino acid sequence of the PTCH1 protein. It affects a nucleotide within the consensus splice site. This variant is not present in population databases (gnomAD no frequency). This variant has not been reported in the literature in individuals affected with PTCH1-related conditions. ClinVar contains an entry for this variant (Variation ID: 1358717). Algorithms developed to predict the effect of sequence changes on RNA splicing suggest that this variant is not likely to affect RNA splicing. In summary, the available evidence is currently insufficient to determine the role of this variant in disease. Therefore, it has been classified as a Variant of Uncertain Significance.

Ambry Genetics
Classification: Likely benign for Hereditary cancer-predisposing syndrome. Last evaluated: 2020-07-07. Review status: criteria provided, single submitter. Criteria: Ambry Variant Classification Scheme 2023. Collection method: clinical testing. Allele origin: germline.

NM_000264.5(PTCH1):c.2704T>C (p.Leu902=)

Gene: PTCH1 (patched 1; minus strand). Cytogenetic location: 9q22.32.
Variant type: single nucleotide variant.
Coding change: c.2704T>C on transcript NM_000264.5 (MANE Select); coding-DNA position 2704, T replaced by C.
Protein change: p.Leu902=; no amino-acid change (leucine 902 retained).
Molecular consequence: synonymous variant. On other transcripts: non-coding transcript variant (1).
Genome position (GRCh38, 1-based): chr9:95,459,783, A>G on the plus strand (T>C on the coding strand, the complement: PTCH1 is on the minus strand). VCF-style: chr9-95459783-A-G. GRCh37 (hg19) VCF-style: chr9-98222065-A-G.
Other names: c.2506T>C, p.Leu836= (NM_001083602.3); c.2701T>C, p.Leu901= (NM_001083603.3); c.2251T>C, p.Leu751= (NM_001083604.3, NM_001083605.3, NM_001083606.3 and 1 more transcripts); c.2548T>C, p.Leu850= (NM_001354918.2).
Identifiers: ClinVar variation 1358717 (VCV001358717.8), dbSNP rs1348603148, ClinGen allele CA466112015.
Genomic context (GRCh38, chr9:95,459,783, plus strand): 5'-AGATGTAGAAAGCGCTGGGATTAATGATGCCATCTGCATCCACCAGACGCTGTTTAGTCA[A>G]CTACAAAAACGGGAAGAACAGAGGCCTTTGAGAATGGGGTTGGGGGTAAACACACTTCTG-3'
Protein context (NP_000255.2, residues 892-912): SRDKPIDISQ[Leu902=]TKQRLVDADG